The following is an entry in ClinVar:

ClinVar aggregate classification (germline): Uncertain significance (1 of 4 stars; one submission).

Submission:

Labcorp Genetics (formerly Invitae), Labcorp
Classification: Uncertain significance. Last evaluated: 2025-04-03. Review status: criteria provided, single submitter. Criteria: Invitae Variant Classification Sherloc (09022015). Collection method: clinical testing. Allele origin: germline.
Comment: This sequence change replaces arginine, which is basic and polar, with leucine, which is neutral and non-polar, at codon 498 of the CACNA1D protein (p.Arg498Leu). This variant is not present in population databases (gnomAD no frequency). This missense change has been observed in individual(s) with clinical features of CACNA1D-related conditions (PMID: 29286531). An algorithm developed to predict the effect of missense changes on protein structure and function (PolyPhen-2) suggests that this variant is likely to be tolerated. In summary, the available evidence is currently insufficient to determine the role of this variant in disease. Therefore, it has been classified as a Variant of Uncertain Significance.

Literature cited by the submitters: PubMed 29286531.

NM_000720.4(CACNA1D):c.1493G>T (p.Arg498Leu)

Gene: CACNA1D (calcium voltage-gated channel subunit alpha1 D; plus strand). Cytogenetic location: 3p21.1.
Variant type: single nucleotide variant.
Coding change: c.1493G>T on transcript NM_000720.4 (MANE Plus Clinical); coding-DNA position 1493, G replaced by T.
Protein change: p.Arg498Leu; replaces arginine 498 with leucine.
Molecular consequence: missense variant. On other transcripts: intron variant (2).
Genome position (GRCh38, 1-based): chr3:53,718,696, G>T. VCF-style: chr3-53718696-G-T. GRCh37 (hg19) VCF-style: chr3-53752723-G-T.
Other names: c.1478+308G>T (NM_001128840.3, NM_001128839.3); short protein forms R498L.
Identifiers: ClinVar variation 4737580 (VCV004737580.1).